The following is an entry in ClinVar:

NM_000069.3(CACNA1S):c.5432G>A (p.Gly1811Asp)

Gene: CACNA1S (calcium voltage-gated channel subunit alpha1 S; minus strand). Cytogenetic location: 1q32.1.
Variant type: single nucleotide variant.
Coding change: c.5432G>A on transcript NM_000069.3 (MANE Select); coding-DNA position 5432, G replaced by A.
Protein change: p.Gly1811Asp; replaces glycine 1811 with aspartic acid.
Molecular consequence: missense variant.
Genome position (GRCh38, 1-based): chr1:201,040,021, C>T on the plus strand (G>A on the coding strand, the complement: CACNA1S is on the minus strand). VCF-style: chr1-201040021-C-T. GRCh37 (hg19) VCF-style: chr1-201009149-C-T.
Other names: short protein forms G1811D.
Identifiers: ClinVar variation 3069541 (VCV003069541.1), dbSNP rs2464387289, ClinGen allele CA344129463.

ClinVar aggregate classification (germline): Uncertain significance (1 of 4 stars; one submission).

Conditions:
Malignant hyperthermia, susceptibility to, 5 (MHS5). Also called: CACNA1S-Related Malignant Hyperthermia Susceptibility. Identifiers: Orphanet 423, MedGen C1866077, MONDO:0011163, OMIM 601887.

Allele frequency attached by ClinVar (database versions not stated): gnomAD exomes below 0.00001.
gnomAD v4.1: 1 of 1,614,092 alleles (0.000062%); highest among the groups gnomAD compares: Non-Finnish European, 0.000085%; no homozygotes.

Submission:

All of Us Research Program, National Institutes of Health
Classification: Uncertain significance for Malignant hyperthermia, susceptibility to, 5. Last evaluated: 2023-02-24. Review status: criteria provided, single submitter. Criteria: ACMG Guidelines, 2015. Collection method: clinical testing. Allele origin: germline. Inheritance: Autosomal dominant inheritance. Observed: 1 variant allele, 1 heterozygote.
Comment: This missense variant replaces glycine with aspartic acid at codon 1811 of the CACNA1S protein. Computational prediction suggests that this variant may not impact protein structure and function (internally defined REVEL score threshold <= 0.5, PMID: 27666373). To our knowledge, functional studies have not been reported for this variant. This variant has not been reported in individuals affected with CACNA1S-related disorders in the literature. This variant has not been identified in the general population by the Genome Aggregation Database (gnomAD). The available evidence is insufficient to determine the role of this variant in disease conclusively. Therefore, this variant is classified as a Variant of Uncertain Significance.

This study involves interpretation of variants in research participants for the purpose of population health screening. Participant phenotype was not available at the time of variant classification. Additional details can be found in publication PMID: 35346344, PMCID: PMC8962531